The following is an entry in ClinVar:

NM_138927.4(SON):c.4777_4778del (p.Leu1593fs)

Gene: SON (SON DNA and RNA binding protein; plus strand). Cytogenetic location: 21q22.11.
Variant type: Microsatellite.
Coding change: c.4777_4778del on transcript NM_138927.4 (MANE Select); coding-DNA positions 4777 to 4778, 2 bases deleted (CT; older notation c.4777_4778delCT).
Protein change: p.Leu1593fs; shifts the reading frame from leucine 1593.
Molecular consequence: frameshift variant. On other transcripts: non-coding transcript variant (1), intron variant (1).
Genome position (GRCh38, 1-based): chr21:33,554,008-33,554,009, CT deleted; deleting any 2 consecutive bases within chr21:33,554,006-33,554,009 gives the same sequence; the c. name uses the placement nearest the transcript's 3' end. VCF-style (leftmost placement, unchanged base first): chr21-33554005-ACT-A. GRCh37 (hg19) VCF-style: chr21-34926311-ACT-A.
Other names: c.4777_4778del, p.Leu1593fs (NM_001291411.2, NM_032195.3); c.245-3148_245-3147del (NM_001291412.3); short protein forms L1593fs.
Identifiers: ClinVar variation 985883 (VCV000985883.5), dbSNP rs2085890040, ClinGen allele CA2386731683.

ClinVar aggregate classification (germline): Pathogenic. Review status: criteria provided, multiple submitters, no conflicts (2 of 4 stars). 2 submissions from 2 submitters: Pathogenic (2). Last evaluated 2024-08-29.

Conditions:
Inborn genetic diseases. Identifiers: MedGen C0950123, MeSH D030342.

Submissions (2):

Labcorp Genetics (formerly Invitae), Labcorp
Classification: Pathogenic. Last evaluated: 2024-08-29. Review status: criteria provided, single submitter. Criteria: Invitae Variant Classification Sherloc (09022015). Collection method: clinical testing. Allele origin: germline.
Comment: This sequence change creates a premature translational stop signal (p.Leu1593Ilefs*11) in the SON gene. It is expected to result in an absent or disrupted protein product. Loss-of-function variants in SON are known to be pathogenic (PMID: 27545676, 27545680). This variant is not present in population databases (gnomAD no frequency). This premature translational stop signal has been observed in individual(s) with Zhu-Tokita-Takenouchi-Kim syndrome (PMID: 34331327). In at least one individual the variant was observed to be de novo. For these reasons, this variant has been classified as Pathogenic.

Ambry Genetics
Classification: Pathogenic for Inborn genetic diseases. Last evaluated: 2018-06-29. Review status: criteria provided, single submitter. Criteria: Ambry exome assertion method (8-5-2015). Collection method: clinical testing. Allele origin: germline. Affected: yes. Observed: 1 variant allele.

Literature cited by the submitters: PubMed 27545676 (cited by Labcorp Genetics (formerly Invitae), Labcorp); PubMed 27545680 (cited by Labcorp Genetics (formerly Invitae), Labcorp); PubMed 34331327 (cited by Labcorp Genetics (formerly Invitae), Labcorp).